The following is an entry in ClinVar:

NM_004304.5(ALK):c.1537G>C (p.Asp513His)

Gene: ALK (ALK receptor tyrosine kinase; minus strand). Cytogenetic location: 2p23.2.
Variant type: single nucleotide variant.
Coding change: c.1537G>C on transcript NM_004304.5 (MANE Select); coding-DNA position 1537, G replaced by C.
Protein change: p.Asp513His; replaces aspartic acid 513 with histidine.
Molecular consequence: missense variant.
Genome position (GRCh38, 1-based): chr2:29,320,760, C>G on the plus strand (G>C on the coding strand, the complement: ALK is on the minus strand). VCF-style: chr2-29320760-C-G. GRCh37 (hg19) VCF-style: chr2-29543626-C-G.
Other names: short protein forms D513H.
Identifiers: ClinVar variation 1774744 (VCV001774744.8), dbSNP rs2148250845, ClinGen allele CA346472212.
Genomic context (GRCh38, chr2:29,320,760, plus strand): 5'-TATGTGGGCATGAAGATGGGCACCAGAGAGAAGGCAGGAGAGCAGTAGTACCTTGGTGGT[C>G]CTGGAACCGGGCATCCTTTAGGGTCCTGACCTGCCATTGAGGAGTGTGGGGTGACAGTGT-3'
Protein context (NP_004295.2, residues 503-523): VRTLKDARFQ[Asp513His]HQDHALLLST

ClinVar aggregate classification (germline): Uncertain significance. Review status: criteria provided, multiple submitters, no conflicts (2 of 4 stars). 2 submissions from 2 submitters: Uncertain significance (2). Last evaluated 2024-09-19.

Conditions:
Neuroblastoma, susceptibility to, 3. Also called: ALK-Related Neuroblastic Tumor Susceptibility. Identifiers: Orphanet 635, MedGen C2751681, MONDO:0013083, OMIM 613014.
Hereditary cancer-predisposing syndrome. Also called: Tumor predisposition; Neoplastic Syndromes, Hereditary; Hereditary Cancer Syndrome; Hereditary neoplastic syndrome. Identifiers: Orphanet 140162, MedGen C0027672, MeSH D009386, MONDO:0015356.

Allele frequency attached by ClinVar (database versions not stated): gnomAD exomes below 0.00001.
gnomAD v4.1: 1 of 1,613,760 alleles (0.000062%); highest among the groups gnomAD compares: African/African-American, 0.0013%; no homozygotes.

Submissions (2):

Ambry Genetics
Classification: Uncertain significance for Hereditary cancer-predisposing syndrome. Last evaluated: 2024-09-19. Review status: criteria provided, single submitter. Criteria: Ambry Variant Classification Scheme 2023. Collection method: clinical testing. Allele origin: germline.
Comment: The p.D513H variant (also known as c.1537G>C), located in coding exon 7 of the ALK gene, results from a G to C substitution at nucleotide position 1537. The aspartic acid at codon 513 is replaced by histidine, an amino acid with similar properties. This amino acid position is conserved. In addition, this alteration is predicted to be tolerated by in silico analysis. Since supporting evidence is limited at this time, the clinical significance of this alteration remains unclear.

Labcorp Genetics (formerly Invitae), Labcorp
Classification: Uncertain significance for Neuroblastoma, susceptibility to, 3. Last evaluated: 2022-03-25. Review status: criteria provided, single submitter. Criteria: Invitae Variant Classification Sherloc (09022015). Collection method: clinical testing. Allele origin: germline.
Comment: In summary, the available evidence is currently insufficient to determine the role of this variant in disease. Therefore, it has been classified as a Variant of Uncertain Significance. Algorithms developed to predict the effect of missense changes on protein structure and function are either unavailable or do not agree on the potential impact of this missense change (SIFT: "Tolerated"; PolyPhen-2: "Possibly Damaging"; Align-GVGD: "Class C0"). This variant has not been reported in the literature in individuals affected with ALK-related conditions. This variant is not present in population databases (gnomAD no frequency). This sequence change replaces aspartic acid, which is acidic and polar, with histidine, which is basic and polar, at codon 513 of the ALK protein (p.Asp513His).